The following is an entry in ClinVar:

ClinVar aggregate classification (germline): Uncertain significance (1 of 4 stars; one submission).

Conditions:
KCNJ6-related disorder. Also called: KCNJ6-related condition.

gnomAD v4.1: 2 of 1,613,536 alleles (0.00012%); highest among the groups gnomAD compares: Non-Finnish European, 0.00017%; no homozygotes.

Submission:

PreventionGenetics, part of Exact Sciences
Classification: Uncertain significance for KCNJ6-related condition. Last evaluated: 2026-06-15. Review status: criteria provided, single submitter. Criteria: ACMG Guidelines, 2015. Collection method: clinical testing. Allele origin: germline.
Comment: The KCNJ6 c.1257T>G variant is predicted to result in the amino acid substitution p.Asn419Lys. To our knowledge, this variant has not been reported in the literature or in a large population database (gnomAD), indicating this variant is rare. At this time, the clinical significance of this variant is uncertain due to the absence of conclusive functional and genetic evidence.

NM_002240.5(KCNJ6):c.1257T>G (p.Asn419Lys)

Genes: KCNJ6 (potassium inwardly rectifying channel subfamily J member 6; minus strand), KCNJ6-AS1 (KCNJ6 antisense RNA 1; plus strand). Cytogenetic location: 21q22.13.
Variant type: single nucleotide variant.
Coding change: c.1257T>G on transcript NM_002240.5 (MANE Select); coding-DNA position 1257, T replaced by G.
Protein change: p.Asn419Lys; replaces asparagine 419 with lysine.
Molecular consequence: missense variant.
Genome position (GRCh38, 1-based): chr21:37,625,174, A>C on the plus strand (T>G on the coding strand, the complement: KCNJ6 is on the minus strand). VCF-style: chr21-37625174-A-C. GRCh37 (hg19) VCF-style: chr21-38997476-A-C.
Other names: short protein forms N419K.
Identifiers: ClinVar variation 4987644 (VCV004987644.1).